The following is an entry in ClinVar:

ClinVar aggregate classification (germline): Uncertain significance (1 of 4 stars; one submission).

Conditions:
Fanconi anemia (FA). Also called: Fanconi's anemia. Identifiers: Orphanet 84, MedGen C0015625, MeSH D005199, MONDO:0019391.

Allele frequency attached by ClinVar (database versions not stated): gnomAD 0.00001; ExAC 0.00002.
gnomAD v4.1: 38 of 1,614,022 alleles (0.0024%); highest among the groups gnomAD compares: Middle Eastern, 0.016%; no homozygotes.

Submission:

Labcorp Genetics (formerly Invitae), Labcorp
Classification: Uncertain significance for Fanconi anemia. Last evaluated: 2025-02-27. Review status: criteria provided, single submitter. Criteria: Invitae Variant Classification Sherloc (09022015). Collection method: clinical testing. Allele origin: germline.
Comment: This sequence change replaces threonine, which is neutral and polar, with isoleucine, which is neutral and non-polar, at codon 860 of the SLX4 protein (p.Thr860Ile). This variant is present in population databases (rs747515305, gnomAD 0.006%). This variant has not been reported in the literature in individuals affected with SLX4-related conditions. ClinVar contains an entry for this variant (Variation ID: 1480265). An algorithm developed to predict the effect of missense changes on protein structure and function (PolyPhen-2) suggests that this variant is likely to be disruptive. In summary, the available evidence is currently insufficient to determine the role of this variant in disease. Therefore, it has been classified as a Variant of Uncertain Significance.

NM_032444.4(SLX4):c.2579C>T (p.Thr860Ile)

Gene: SLX4 (SLX4 structure-specific endonuclease subunit; minus strand). Cytogenetic location: 16p13.3.
Variant type: single nucleotide variant.
Coding change: c.2579C>T on transcript NM_032444.4 (MANE Select); coding-DNA position 2579, C replaced by T.
Protein change: p.Thr860Ile; replaces threonine 860 with isoleucine.
Molecular consequence: missense variant.
Genome position (GRCh38, 1-based): chr16:3,591,059, G>A on the plus strand (C>T on the coding strand, the complement: SLX4 is on the minus strand). VCF-style: chr16-3591059-G-A. GRCh37 (hg19) VCF-style: chr16-3641060-G-A.
Other names: short protein forms T860I.
Identifiers: ClinVar variation 1480265 (VCV001480265.4), dbSNP rs747515305, ClinGen allele CA7866129.